The following is an entry in ClinVar:

ClinVar aggregate classification (germline): Pathogenic. Review status: criteria provided, multiple submitters, no conflicts (2 of 4 stars). 4 submissions from 4 submitters: Pathogenic (4). Last evaluated 2026-09-08.

Conditions:
Fabry disease. Also called: Fabry's disease; Angiokeratoma corporis diffusum; ALPHA-GALACTOSIDASE A DEFICIENCY; ANDERSON-FABRY DISEASE; CERAMIDE TRIHEXOSIDASE DEFICIENCY; Ceramide trihexosidosis. Identifiers: Orphanet 324, MedGen C0002986, MONDO:0010526, OMIM 301500, HP:0001071. Disease mechanism: loss of function, Fabry disease is due to inactivating mutations in the X-linked GLA gene resulting in deficiency of the enzyme Alpha Galactosidase-A..

Submissions (4):

Genomenon, Inc
Classification: Pathogenic for Fabry disease. Last evaluated: 2026-09-08. Review status: criteria provided, single submitter. Criteria: Genomenon Sequence Variant Interpretation Standards - Updated. Collection method: curation. Allele origin: germline. Affected: yes.
Comment: GLA p.Trp81Ter (c.242G>A) is a nonsense variant that introduces a premature stop codon at amino acid position 81 and is predicted to result in a truncated or absent protein product. This variant has been observed in at least one proband with clinical features consistent with Fabry disease (PMID:12175777;9452111;27560961;30386727;20022777;37940383). The variant was found to segregate with disease in at least one affected family (PMID:27560961). Functional or patient cell studies have been reported (PMID:27560961). It is absent or not present at a significant frequency in gnomAD. In conclusion, we classify GLA p.Trp81Ter (c.242G>A) as a pathogenic variant.

Genome-Nilou Lab
Classification: Pathogenic for Fabry disease. Last evaluated: 2021-07-15. Review status: criteria provided, single submitter. Criteria: ACMG Guidelines, 2015. Collection method: clinical testing. Allele origin: germline. Affected: no.

GeneDx
Classification: Pathogenic. Last evaluated: 2013-05-28. Review status: criteria provided, single submitter. Criteria: GeneDx Variant Classification (06012015). Collection method: clinical testing. Allele origin: germline. Affected: yes.
Comment: The W81X mutation in the GLA gene has been reported in one individual with Fabry disease (Shabbeer et al., 2002). W81X is predicted to cause loss of normal protein function either by protein truncation or nonsense-mediated mRNA decay. Other nonsense mutations in the GLA gene have been reported in association with Fabry disease. Approximately 60-70% of females with a single GLA mutation have some disease manifestations, and 10% of these individuals present with a disease severity that is similar to that of affected males (Bennett et al., 2002).The variant is found in HCM panel(s).

Eurofins Ntd Llc (ga)
Classification: Pathogenic. Last evaluated: 2012-09-20. Review status: criteria provided, single submitter. Criteria: EGL Classification Definitions 2015. Collection method: clinical testing. Allele origin: germline. Observed: 3 variant alleles, 3 heterozygotes.

Literature cited by the submitters: PubMed 12175777 (cited by Genomenon, Inc); PubMed 9452111 (cited by Genomenon, Inc); PubMed 27560961 (cited by Genomenon, Inc); PubMed 30386727 (cited by Genomenon, Inc); PubMed 20022777 (cited by Genomenon, Inc); PubMed 37940383 (cited by Genomenon, Inc).

NM_000169.3(GLA):c.242G>A (p.Trp81Ter)

Genes: GLA (galactosidase alpha; minus strand), RPL36A-HNRNPH2 (RPL36A-HNRNPH2 readthrough; plus strand). Cytogenetic location: Xq22.1.
Variant type: single nucleotide variant.
Coding change: c.242G>A on transcript NM_000169.3 (MANE Select); coding-DNA position 242, G replaced by A.
Protein change: p.Trp81Ter; replaces tryptophan 81 with a stop codon.
Molecular consequence: nonsense. On other transcripts: non-coding transcript variant (3), intron variant (2).
Genome position (GRCh38, 1-based): chrX:101,403,938, C>T on the plus strand (G>A on the coding strand, the complement: GLA is on the minus strand). VCF-style: chrX-101403938-C-T. GRCh37 (hg19) VCF-style: chrX-100658926-C-T.
Other names: NP_000160.1:p.Trp81*; p.W81*:TGG>TAG; c.365G>A, p.Trp122Ter (NM_001406747.1, NM_001406749.1); c.242G>A, p.Trp81Ter (NM_001406748.1); c.301-7998C>T (NM_001199973.2); c.178-7998C>T (NM_001199974.2); short protein forms W81*, W122*.
Identifiers: ClinVar variation 92548 (VCV000092548.10), dbSNP rs398123208, ClinGen allele CA021611.